The following is an entry in ClinVar:

NM_052867.4(NALCN):c.1799A>G (p.Asp600Gly)

Gene: NALCN (sodium leak channel, non-selective; minus strand). Cytogenetic location: 13q33.1.
Variant type: single nucleotide variant.
Coding change: c.1799A>G on transcript NM_052867.4 (MANE Select); coding-DNA position 1799, A replaced by G.
Protein change: p.Asp600Gly; replaces aspartic acid 600 with glycine.
Molecular consequence: missense variant.
Genome position (GRCh38, 1-based): chr13:101,176,340, T>C on the plus strand (A>G on the coding strand, the complement: NALCN is on the minus strand). VCF-style: chr13-101176340-T-C. GRCh37 (hg19) VCF-style: chr13-101828691-T-C.
Other names: c.1712A>G, p.Asp571Gly (NM_001350751.2, NM_001350750.2); c.1799A>G, p.Asp600Gly (NM_001350748.2, NM_001350749.2); short protein forms D571G, D600G.
Identifiers: ClinVar variation 692011 (VCV000692011.2), dbSNP rs1594368726, ClinGen allele CA388702886.
Genomic context (GRCh38, chr13:101,176,340, plus strand): 5'-ATCCCCCACACACTACTTACTTGTTTAAGCTTCTTTAGGTCTTCATCAAGTTCTAAGTTG[T>C]CCAAAATAACAGCAACAAACAAACTCAGGAGGATCTATAAAATGGTGAAATAACAATGAA-3'
Protein context (NP_443099.1, residues 590-610): LLSLFVAVIL[Asp600Gly]NLELDEDLKK

ClinVar aggregate classification (germline): Pathogenic/Likely pathogenic. Review status: criteria provided, multiple submitters, no conflicts (2 of 4 stars). 2 submissions from 2 submitters: Pathogenic (1); Likely pathogenic (1). Last evaluated 2022-10-31.

Conditions:
Congenital contractures of the limbs and face, hypotonia, and developmental delay (CLIFAHDD). Identifiers: Orphanet 562528, MedGen C4225398, MONDO:0014556, OMIM 616266.
NALCN-related disorder. Also called: NALCN-related condition; NALCN-related disorders.

Submissions (2):

PreventionGenetics, part of Exact Sciences
Classification: Pathogenic for NALCN-related condition. Last evaluated: 2022-10-31. Review status: criteria provided, single submitter. Criteria: ACMG Guidelines, 2015. Collection method: clinical testing. Allele origin: germline.
Comment: The NALCN c.1799A>G variant is predicted to result in the amino acid substitution p.Asp600Gly. This variant was reported with de novo occurrence in one individual with autosomal dominant CliFAHDD syndrome (Sanford et al. 2019. PubMed ID: 31246743). This variant has not been reported in a large population database, indicating this variant is rare. This variant is interpreted as pathogenic.

Rady Children's Institute for Genomic Medicine, Rady Children's Hospital San Diego
Classification: Likely pathogenic for CONGENITAL CONTRACTURES OF THE LIMBS AND FACE, HYPOTONIA, AND DEVELOPMENTAL DELAY. Last evaluated: 2018-02-23. Review status: criteria provided, single submitter. Criteria: ACMG Guidelines, 2015. Collection method: clinical testing. Allele origin: germline. Affected: yes. Observed: 1 variant allele.
Comment: This variant has not been previously reported in the literature to our knowledge, however, de novo heterozygous mutations in NALCN have been identified in multiple unrelated individuals with arthrogryposis, respiratory distress, and neurodevelopmental impairment (PMID: 25683120). This variant is not observed in the ExAC or gnomAD population databases. The p.Asp600Gly change involves a highly conserved amino acid and in silico tools predict a damaging effect on protein function. This variant is found in close proximity to previously reported dominant de novo mutations (PMID: 25683120, 27633718 , 27214504). Sequence analysis of the parental samples was negative for the variant, indicating that the variant likely occurred as a de novo event. Based on the available evidence, this variant is classified as a likely pathogenic change.